The following is an entry in ClinVar:

ClinVar aggregate classification (germline): Uncertain significance (1 of 4 stars; one submission).

gnomAD v4.1: 24 of 1,613,984 alleles (0.0015%); highest among the groups gnomAD compares: Non-Finnish European, 0.0019%; no homozygotes.

Submission:

GeneDx
Classification: Uncertain significance. Last evaluated: 2025-07-29. Review status: criteria provided, single submitter. Criteria: GeneDx Variant Classification Process June 2021. Collection method: clinical testing. Allele origin: germline. Affected: yes.
Comment: Not observed at significant frequency in large population cohorts (gnomAD); In silico analysis supports a deleterious effect on splicing; Has not been previously published as pathogenic or benign to our knowledge

NM_014244.5(ADAMTS2):c.2313C>T (p.Gly771=)

Gene: ADAMTS2 (ADAM metallopeptidase with thrombospondin type 1 motif 2; minus strand). Cytogenetic location: 5q35.3.
Variant type: single nucleotide variant.
Coding change: c.2313C>T on transcript NM_014244.5 (MANE Select); coding-DNA position 2313, C replaced by T.
Protein change: p.Gly771=; no amino-acid change (glycine 771 retained).
Molecular consequence: synonymous variant.
Genome position (GRCh38, 1-based): chr5:179,130,076, G>A on the plus strand (C>T on the coding strand, the complement: ADAMTS2 is on the minus strand). VCF-style: chr5-179130076-G-A. GRCh37 (hg19) VCF-style: chr5-178557077-G-A.
Identifiers: ClinVar variation 4690029 (VCV004690029.1).